The following is an entry in ClinVar:

NM_001267550.2(TTN):c.57519G>T (p.Lys19173Asn)

Genes: TTN (titin; minus strand), TTN-AS1 (TTN antisense RNA 1; plus strand). Cytogenetic location: 2q31.2.
Variant type: single nucleotide variant.
Coding change: c.57519G>T on transcript NM_001267550.2 (MANE Select); coding-DNA position 57519, G replaced by T.
Protein change: p.Lys19173Asn; replaces lysine 19173 with asparagine.
Molecular consequence: missense variant.
Genome position (GRCh38, 1-based): chr2:178,597,563, C>A on the plus strand (G>T on the coding strand, the complement: TTN is on the minus strand). VCF-style: chr2-178597563-C-A. GRCh37 (hg19) VCF-style: chr2-179462290-C-A.
Other names: c.52596G>T, p.Lys17532Asn (NM_001256850.1); c.30324G>T, p.Lys10108Asn (NM_003319.4); c.49815G>T, p.Lys16605Asn (NM_133378.4); c.30699G>T, p.Lys10233Asn (NM_133432.3); c.30900G>T, p.Lys10300Asn (NM_133437.4); short protein forms K10108N, K19173N, K16605N, K17532N, K10300N, K10233N.
Identifiers: ClinVar variation 518729 (VCV000518729.9), dbSNP rs1009412718, ClinGen allele CA60974350.

ClinVar aggregate classification (germline): Uncertain significance. Review status: criteria provided, multiple submitters, no conflicts (2 of 4 stars). 3 submissions from 3 submitters: Uncertain significance (3). Last evaluated 2021-09-03.

Conditions:
Cardiovascular phenotype. Identifiers: MedGen CN230736.
Autosomal recessive limb-girdle muscular dystrophy type 2J (LGMDR10). Also called: MUSCULAR DYSTROPHY, LIMB-GIRDLE, AUTOSOMAL RECESSIVE 10; Limb-girdle muscular dystrophy, type 2J. Identifiers: Orphanet 140922, MedGen C1837342, MONDO:0012127, OMIM 608807.
Hypertrophic cardiomyopathy 9. Also called: Familial hypertrophic cardiomyopathy 9. Identifiers: MedGen C1861065, MONDO:0013412, OMIM 613765.
Tibial muscular dystrophy (TMD). Also called: Udd Distal Myopathy – Tibial Muscular Dystrophy; Tibial muscular dystrophy, tardive; UDD MYOPATHY. Identifiers: Orphanet 609, MedGen C1838244, MONDO:0010870, OMIM 600334.
Dilated cardiomyopathy 1G (CMD1G). Identifiers: Orphanet 154, MedGen C1858763, MONDO:0011400, OMIM 604145.
Early-onset myopathy with fatal cardiomyopathy (CMYO5). Also called: Salih Myopathy; CONGENITAL MYOPATHY 5 WITH CARDIOMYOPATHY. Identifiers: Orphanet 289377, MedGen C2673677, MONDO:0012714, OMIM 611705. Disease mechanism: loss of function.
Myopathy, myofibrillar, 9, with early respiratory failure (MFM9). Also called: MYOPATHY, PROXIMAL, WITH EARLY RESPIRATORY MUSCLE INVOLVEMENT; Myopathy, distal, with early respiratory failure, autosomal dominant; Hereditary myopathy with early respiratory failure; EDSTROM MYOPATHY. Identifiers: Orphanet 178464, Orphanet 34521, MedGen C1863599, MONDO:0011362, OMIM 603689.

Allele frequency attached by ClinVar (database versions not stated): TOPMed below 0.00001; gnomAD 0.00001; gnomAD exomes 0.00001.
gnomAD v4.1: 5 of 1,612,256 alleles (0.00031%); highest among the groups gnomAD compares: Middle Eastern, 0.016%; no homozygotes.

Submissions (3):

Fulgent Genetics
Classification: Uncertain significance for Tibial muscular dystrophy; Myopathy, myofibrillar, 9, with early respiratory failure; Dilated cardiomyopathy 1G; Autosomal recessive limb-girdle muscular dystrophy type 2J; Early-onset myopathy with fatal cardiomyopathy; Hypertrophic cardiomyopathy 9. Last evaluated: 2021-09-03. Review status: criteria provided, single submitter. Criteria: ACMG Guidelines, 2015. Collection method: clinical testing. Allele origin: unknown.

Revvity Omics, Revvity
Classification: Uncertain significance. Last evaluated: 2021-07-26. Review status: criteria provided, single submitter. Criteria: ACMG Guidelines, 2015. Collection method: clinical testing. Allele origin: germline.

Ambry Genetics
Classification: Uncertain significance for Cardiovascular phenotype. Last evaluated: 2017-10-20. Review status: criteria provided, single submitter. Criteria: Ambry Variant Classification Scheme 2023. Collection method: clinical testing. Allele origin: germline.
Comment: The p.K10108N variant (also known as c.30324G>T), located in coding exon 121 of the TTN gene, results from a G to T substitution at nucleotide position 30324. The lysine at codon 10108 is replaced by asparagine, an amino acid with similar properties. This amino acid position is highly conserved in available vertebrate species. In addition, this alteration is predicted to be tolerated by in silico analysis. Since supporting evidence is limited at this time, the clinical significance of this alteration remains unclear.